The following is an entry in ClinVar:

NM_144596.4(TTC8):c.624+2785A>G

Gene: TTC8 (tetratricopeptide repeat domain 8; plus strand). Cytogenetic location: 14q31.3.
Variant type: single nucleotide variant.
Coding change: c.624+2785A>G on transcript NM_144596.4 (MANE Select); 2785 bases into the intron after coding-DNA position 624, A replaced by G.
Molecular consequence: intron variant. On other transcripts: missense variant (1).
Genome position (GRCh38, 1-based): chr14:88,846,635, A>G. VCF-style: chr14-88846635-A-G. GRCh37 (hg19) VCF-style: chr14-89312979-A-G.
Other names: c.632A>G, p.Tyr211Cys (NM_001288781.1); c.30+5078A>G (NM_001288782.1); c.594+2785A>G (NM_198309.3, NM_001366535.2); c.-153-213A>G (NM_001288783.1); c.504+2785A>G (NM_198310.3, NM_001366536.2); short protein forms Y211C.
Identifiers: ClinVar variation 3354620 (VCV003354620.3).

ClinVar aggregate classification (germline): Conflicting classifications of pathogenicity. Review status: criteria provided, conflicting classifications (1 of 4 stars). 2 submissions from 2 submitters: Uncertain significance (1); Likely benign (1). Last evaluated 2026-06-24.

Conditions:
TTC8-related disorder. Also called: TTC8-related condition.

gnomAD v4.1: 40 of 1,469,712 alleles (0.0027%); highest among the groups gnomAD compares: African/African-American, 0.052%; no homozygotes.

Submissions (2):

PreventionGenetics, part of Exact Sciences
Classification: Uncertain significance for TTC8-related condition. Last evaluated: 2026-06-24. Review status: criteria provided, single submitter. Criteria: ACMG Guidelines, 2015. Collection method: clinical testing. Allele origin: germline.
Comment: The TTC8 c.632A>G variant is predicted to result in the amino acid substitution p.Tyr211Cys. This variant is also referred to as c.594+2785A>G with the more commonly reported isoform NM_198309.3. To our knowledge, this variant has not been reported in the literature. This variant is reported in 0.060% of alleles in individuals of African descent in gnomAD, which may be too common to be an undocumented pathogenic variant. Although we suspect that this variant may be benign, at this time, the clinical significance of this variant is uncertain due to the absence of conclusive functional and genetic evidence.

Blueprint Genetics
Classification: Likely benign. Last evaluated: 2024-02-14. Review status: criteria provided, single submitter. Criteria: ACMG Guidelines, 2015. Collection method: clinical testing. Allele origin: germline.